The following is an entry in ClinVar:

ClinVar aggregate classification (germline): Likely pathogenic (1 of 4 stars; one submission).

Conditions:
GTP cyclohydrolase I deficiency. Identifiers: MedGen C0268467, MONDO:0100184.
Dystonia 5 (DRD). Also called: DYSTONIA, PROGRESSIVE, WITH DIURNAL VARIATION; DYSTONIA-PARKINSONISM WITH DIURNAL FLUCTUATION; GTP Cyclohydrolase 1-Deficient Dopa-Responsive Dystonia; DYT-GCH1; Dystonia, DOPA-responsive, with or without hyperphenylalaninemia. Identifiers: Orphanet 98808, MedGen C1851920, MONDO:0007495, OMIM 128230.

Submission:

Labcorp Genetics (formerly Invitae), Labcorp
Classification: Likely pathogenic for GTP cyclohydrolase I deficiency; Dystonia 5. Last evaluated: 2022-07-11. Review status: criteria provided, single submitter. Criteria: Invitae Variant Classification Sherloc (09022015). Collection method: clinical testing. Allele origin: germline.
Comment: In summary, the currently available evidence indicates that the variant is pathogenic, but additional data are needed to prove that conclusively. Therefore, this variant has been classified as Likely Pathogenic. This variant has not been reported in the literature in individuals affected with GCH1-related conditions. This variant results in a copy number gain of the genomic region encompassing exon(s) 2-3 of the GCH1 gene. While the exact position of this variant cannot be determined from the data, sub-genic copy number gains are generally in tandem (PMID: 25640679). This variant is predicted to be out-of-frame, and may result in an absent or disrupted protein product. Loss-of-function variants in GCH1 are known to be pathogenic (PMID: 9667588, 19332422, 19491146, 25557619).

Literature cited by the submitters: PubMed 25640679; PubMed 9667588; PubMed 19332422; PubMed 19491146; PubMed 25557619.

NC_000014.8:g.(?_55326379)_(55332174_?)dup

Gene: GCH1 (GTP cyclohydrolase 1; minus strand). Cytogenetic location: 14q22.2.
Variant type: Duplication.
Identifiers: ClinVar variation 2422500 (VCV002422500.4).